The following is an entry in ClinVar:

NM_000155.4(GALT):c.109C>A (p.Leu37Met)

Genes: GALT (galactose-1-phosphate uridylyltransferase; plus strand), LOC130001683 (ATAC-STARR-seq lymphoblastoid active region 28314; plus strand). Cytogenetic location: 9p13.3.
Variant type: single nucleotide variant.
Coding change: c.109C>A on transcript NM_000155.4 (MANE Select); coding-DNA position 109, C replaced by A.
Protein change: p.Leu37Met; replaces leucine 37 with methionine.
Molecular consequence: missense variant. On other transcripts: 5 prime UTR variant (1).
Genome position (GRCh38, 1-based): chr9:34,647,115, C>A. VCF-style: chr9-34647115-C-A. GRCh37 (hg19) VCF-style: chr9-34647112-C-A.
Other names: c.-94C>A (NM_001258332.2); short protein forms L37M.
Identifiers: ClinVar variation 4687838 (VCV004687838.1).

ClinVar aggregate classification (germline): Uncertain significance (1 of 4 stars; one submission).

Submission:

Women's Health and Genetics/Laboratory Corporation of America, LabCorp
Classification: Uncertain significance. Last evaluated: 2025-10-30. Review status: criteria provided, single submitter. Criteria: LabCorp Variant Classification Summary - May 2015. Collection method: clinical testing. Allele origin: germline.
Comment: Variant summary: GALT c.109C>A (p.Leu37Met) results in a conservative amino acid change in the encoded protein sequence. Algorithms developed to predict the effect of missense changes on protein structure and function are either unavailable or do not agree on the potential impact of this missense change. The variant was absent in 251442 control chromosomes (gnomAD). The available data on variant occurrences in the general population are insufficient to allow any conclusion about variant significance. To our knowledge, no occurrence of c.109C>A in individuals affected with GALT-related conditions and no experimental evidence demonstrating its impact on protein function have been reported. No submitters have cited clinical-significance assessments for this variant to ClinVar. Based on the evidence outlined above, the variant was classified as uncertain significance.